The following is an entry in ClinVar:

ClinVar aggregate classification (germline): Uncertain significance. Review status: criteria provided, multiple submitters, no conflicts (2 of 4 stars). 2 submissions from 2 submitters: Uncertain significance (2). Last evaluated 2025-04-09.

Conditions:
Familial adenomatous polyposis 1 (FAP1). Also called: FAMILIAL ADENOMATOUS POLYPOSIS 1, ATTENUATED; POLYPOSIS, ADENOMATOUS INTESTINAL. Identifiers: MedGen C2713442, MONDO:0021056, OMIM 175100. Disease mechanism: loss of function.
Hereditary cancer-predisposing syndrome. Also called: Tumor predisposition; Neoplastic Syndromes, Hereditary; Hereditary neoplastic syndrome; Hereditary Cancer Syndrome. Identifiers: Orphanet 140162, MedGen C0027672, MeSH D009386, MONDO:0015356.

Submissions (2):

Ambry Genetics
Classification: Uncertain significance for Hereditary cancer-predisposing syndrome. Last evaluated: 2025-04-09. Review status: criteria provided, single submitter. Criteria: Ambry Variant Classification Scheme 2023. Collection method: clinical testing. Allele origin: germline.
Comment: The p.A2778T variant (also known as c.8332G>A), located in coding exon 15 of the APC gene, results from a G to A substitution at nucleotide position 8332. The alanine at codon 2778 is replaced by threonine, an amino acid with similar properties. This amino acid position is highly conserved in available vertebrate species. In addition, in silico predictors for this gene do not accurately predict pathogenicity. Missense alterations in APC are not a common cause of disease (Spier I et al. Genet Med. 2024 Feb;26(2):100992). Based on the available evidence, the clinical significance of this variant remains unclear.

Labcorp Genetics (formerly Invitae), Labcorp
Classification: Uncertain significance for Familial adenomatous polyposis 1. Last evaluated: 2019-04-04. Review status: criteria provided, single submitter. Criteria: Invitae Variant Classification Sherloc (09022015). Collection method: clinical testing. Allele origin: germline.
Comment: In summary, the available evidence is currently insufficient to determine the role of this variant in disease. Therefore, it has been classified as a Variant of Uncertain Significance. Algorithms developed to predict the effect of missense changes on protein structure and function are either unavailable or do not agree on the potential impact of this missense change (SIFT: "Tolerated"; PolyPhen-2: "Probably Damaging"; Align-GVGD: "Class C0"). This variant has not been reported in the literature in individuals with APC-related conditions. This variant is not present in population databases (ExAC no frequency). This sequence change replaces alanine with threonine at codon 2778 of the APC protein (p.Ala2778Thr). The alanine residue is highly conserved and there is a small physicochemical difference between alanine and threonine.

NM_000038.6(APC):c.8332G>A (p.Ala2778Thr)

Gene: APC (APC regulator of Wnt signaling pathway; plus strand). Cytogenetic location: 5q22.2.
Variant type: single nucleotide variant.
Coding change: c.8332G>A on transcript NM_000038.6 (MANE Select); coding-DNA position 8332, G replaced by A.
Protein change: p.Ala2778Thr; replaces alanine 2778 with threonine.
Molecular consequence: missense variant.
Genome position (GRCh38, 1-based): chr5:112,843,926, G>A. VCF-style: chr5-112843926-G-A. GRCh37 (hg19) VCF-style: chr5-112179623-G-A.
Other names: c.8332G>A, p.Ala2778Thr (NM_001127510.3, NM_001354895.2); c.8278G>A, p.Ala2760Thr (NM_001127511.3); c.8386G>A, p.Ala2796Thr (NM_001354896.2); c.8362G>A, p.Ala2788Thr (NM_001354897.2); c.8257G>A, p.Ala2753Thr (NM_001354898.2); c.8248G>A, p.Ala2750Thr (NM_001354899.2); c.8209G>A, p.Ala2737Thr (NM_001354900.2); c.8155G>A, p.Ala2719Thr (NM_001354901.2); and 5 more; short protein forms A2495T, A2652T, A2687T, A2719T, A2778T, A2788T, A2753T, A2796T.
Identifiers: ClinVar variation 848404 (VCV000848404.12), dbSNP rs587778046, ClinGen allele CA16039410.